The following is an entry in ClinVar:

ClinVar aggregate classification (germline): Uncertain significance (1 of 4 stars; one submission).

Conditions:
WDPCP-related disorder. Also called: WDPCP-related condition.

Allele frequency attached by ClinVar (database versions not stated): gnomAD 0.00006.

Submission:

PreventionGenetics, part of Exact Sciences
Classification: Uncertain significance for WDPCP-related condition. Last evaluated: 2025-04-10. Review status: criteria provided, single submitter. Criteria: ACMG Guidelines, 2015. Collection method: clinical testing. Allele origin: germline.
Comment: The WDPCP c.1943G>T variant is predicted to result in the amino acid substitution p.Trp648Leu. To our knowledge, this variant has not been reported in the literature. This variant is reported in 0.0065% of alleles in individuals of European (Non-Finnish) descent in gnomAD. At this time, the clinical significance of this variant is uncertain due to the absence of conclusive functional and genetic evidence.

NM_015910.7(WDPCP):c.1748+18504G>T

Gene: WDPCP (WD repeat containing planar cell polarity effector; minus strand). Cytogenetic location: 2p15.
Variant type: single nucleotide variant.
Coding change: c.1748+18504G>T on transcript NM_015910.7 (MANE Select); 18504 bases into the intron after coding-DNA position 1748, G replaced by T.
Molecular consequence: intron variant. On other transcripts: missense variant (1).
Genome position (GRCh38, 1-based): chr2:63,359,882, C>A on the plus strand (G>T on the coding strand, the complement: WDPCP is on the minus strand). VCF-style: chr2-63359882-C-A. GRCh37 (hg19) VCF-style: chr2-63587017-C-A.
Other names: c.1943G>T, p.Trp648Leu (NM_001354045.2); c.1676+18504G>T (NM_001354044.2); c.1271+18504G>T (NM_001042692.3); short protein forms W648L.
Identifiers: ClinVar variation 3044436 (VCV003044436.3), dbSNP rs764001578, ClinGen allele CA49229116.